The following is an entry in ClinVar:

NM_032217.5(ANKRD17):c.1760G>T (p.Gly587Val)

Gene: ANKRD17 (ankyrin repeat domain 17; minus strand). Cytogenetic location: 4q13.3.
Variant type: single nucleotide variant.
Coding change: c.1760G>T on transcript NM_032217.5 (MANE Select); coding-DNA position 1760, G replaced by T.
Protein change: p.Gly587Val; replaces glycine 587 with valine.
Molecular consequence: missense variant.
Genome position (GRCh38, 1-based): chr4:73,146,873, C>A on the plus strand (G>T on the coding strand, the complement: ANKRD17 is on the minus strand). VCF-style: chr4-73146873-C-A. GRCh37 (hg19) VCF-style: chr4-74012590-C-A.
Other names: c.1421G>T, p.Gly474Val (NM_001286771.3); c.1760G>T, p.Gly587Val (NM_015574.2, NM_198889.3); short protein forms G474V, G587V.
Identifiers: ClinVar variation 4822204 (VCV004822204.4).
Genomic context (GRCh38, chr4:73,146,873, plus strand): 5'-TTTTCACAGGCATATGTTAGTGCTGTATCCCCTGTTGCTGTTGTTGCATGAACGTTAGCT[C>A]CTGTAGTAGTCAACAAATAATACATAGACTTAATAAAGGAGCCATAAGACATATATGACG-3'
Protein context (NP_115593.3, residues 577-597): LELVKYLLAA[Gly587Val]ANVHATTATG

ClinVar aggregate classification (germline): Uncertain significance (1 of 4 stars; one submission).

gnomAD v4.1: 2 of 1,607,878 alleles (0.00012%); highest among the groups gnomAD compares: Non-Finnish European, 0.00017%; no homozygotes.

Submission:

CeGaT Center for Human Genetics Tuebingen
Classification: Uncertain significance. Last evaluated: 2026-01-01. Review status: criteria provided, single submitter. Criteria: CeGaT Center For Human Genetics Tuebingen Variant Classification Criteria Version 2. Collection method: clinical testing. Allele origin: germline. Affected: yes. Observed: 1 variant allele.
Comment: ANKRD17: PP3